The following is an entry in ClinVar:

NM_001286.5(CLCN6):c.2498G>A (p.Arg833His)

Genes: CLCN6 (chloride voltage-gated channel 6; plus strand), LOC129929417 (ATAC-STARR-seq lymphoblastoid active region 178; plus strand). Cytogenetic location: 1p36.22.
Variant type: single nucleotide variant.
Coding change: c.2498G>A on transcript NM_001286.5 (MANE Select); coding-DNA position 2498, G replaced by A.
Protein change: p.Arg833His; replaces arginine 833 with histidine.
Molecular consequence: missense variant. On other transcripts: non-coding transcript variant (1).
Genome position (GRCh38, 1-based): chr1:11,838,629, G>A. VCF-style: chr1-11838629-G-A. GRCh37 (hg19) VCF-style: chr1-11898686-G-A.
Other names: c.2432G>A, p.Arg811His (NM_001256959.2); short protein forms R811H, R833H.
Identifiers: ClinVar variation 4703122 (VCV004703122.1).

ClinVar aggregate classification (germline): Uncertain significance (1 of 4 stars; one submission).

gnomAD v4.1: 8 of 1,614,206 alleles (0.0005%); highest among the groups gnomAD compares: South Asian, 0.0022%; no homozygotes.

Submission:

Labcorp Genetics (formerly Invitae), Labcorp
Classification: Uncertain significance. Last evaluated: 2025-10-22. Review status: criteria provided, single submitter. Criteria: Invitae Variant Classification Sherloc (09022015). Collection method: clinical testing. Allele origin: germline.
Comment: This sequence change replaces arginine, which is basic and polar, with histidine, which is basic and polar, at codon 833 of the CLCN6 protein (p.Arg833His). This variant is present in population databases (rs759665554, gnomAD 0.003%). This variant has not been reported in the literature in individuals affected with CLCN6-related conditions. An algorithm developed to predict the effect of missense changes on protein structure and function (PolyPhen-2) suggests that this variant is likely to be disruptive. In summary, the available evidence is currently insufficient to determine the role of this variant in disease. Therefore, it has been classified as a Variant of Uncertain Significance.